The following is an entry in ClinVar:

ClinVar aggregate classification (germline): Uncertain significance (1 of 4 stars; one submission).

gnomAD v4.1: 3 of 1,612,902 alleles (0.00019%); highest among the groups gnomAD compares: South Asian, 0.0011%; no homozygotes.

Submission:

Labcorp Genetics (formerly Invitae), Labcorp
Classification: Uncertain significance. Last evaluated: 2024-09-05. Review status: criteria provided, single submitter. Criteria: Invitae Variant Classification Sherloc (09022015). Collection method: clinical testing. Allele origin: germline.
Comment: This sequence change affects codon 279 of the DGKZ mRNA. It is a 'silent' change, meaning that it does not change the encoded amino acid sequence of the DGKZ protein. It affects a nucleotide within the consensus splice site. This variant is not present in population databases (gnomAD no frequency). This variant has not been reported in the literature in individuals affected with DGKZ-related conditions. ClinVar contains an entry for this variant (Variation ID: 1950837). Algorithms developed to predict the effect of sequence changes on RNA splicing suggest that this variant is not likely to affect RNA splicing. In summary, the available evidence is currently insufficient to determine the role of this variant in disease. Therefore, it has been classified as a Variant of Uncertain Significance.

NM_001199267.2(DGKZ):c.270C>T (p.Ser90=)

Gene: DGKZ (diacylglycerol kinase zeta; plus strand). Cytogenetic location: 11p11.2.
Variant type: single nucleotide variant.
Coding change: c.270C>T on transcript NM_001199267.2 (MANE Select); coding-DNA position 270, C replaced by T.
Protein change: p.Ser90=; no amino-acid change (serine 90 retained).
Molecular consequence: synonymous variant.
Genome position (GRCh38, 1-based): chr11:46,367,399, C>T. VCF-style: chr11-46367399-C-T. GRCh37 (hg19) VCF-style: chr11-46388949-C-T.
Other names: c.837C>T, p.Ser279= (NM_001105540.2); c.270C>T, p.Ser90= (NM_001199266.2, NM_001199268.2, NM_003646.4); c.321C>T, p.Ser107= (NM_201532.3); c.285C>T, p.Ser95= (NM_201533.3).
Identifiers: ClinVar variation 1950837 (VCV001950837.5), dbSNP rs2496440755, ClinGen allele CA473863402.
Genomic context (GRCh38, chr11:46,367,399, plus strand): 5'-CACCCCTGGGGCCCCGTGCAGCGAGTCAGAGCGGCAGATCCGGAGTACAGTGGACTGGAG[C>T]GTGAGTGCCTGAACACCCCTGGGTCCCAGACCCTCTGGGCTCTTGGCCAAGGCGCAGCTG-3'
Protein context (NP_001186196.1, residues 80-100): ERQIRSTVDW[Ser90=]ESATYGEHIW